The following is an entry in ClinVar:

ClinVar aggregate classification (germline): Benign/Likely benign. Review status: criteria provided, multiple submitters, no conflicts (2 of 4 stars). 3 submissions from 3 submitters: Benign (1); Likely benign (2). Last evaluated 2026-06-17.

Conditions:
Gastrointestinal stromal tumor. Also called: Gastrointestinal stroma tumor; Gastrointestinal stromal tumor, somatic. Identifiers: Orphanet 44890, MedGen C0238198, MeSH D046152, MONDO:0011719, OMIM 606764, HP:0100723.
Polyps, multiple and recurrent inflammatory fibroid, gastrointestinal. Identifiers: MedGen C5193005, MONDO:0008285, OMIM 175510.
Hereditary cancer-predisposing syndrome. Also called: Neoplastic Syndromes, Hereditary; Hereditary Cancer Syndrome; Hereditary neoplastic syndrome; Tumor predisposition. Identifiers: Orphanet 140162, MedGen C0027672, MeSH D009386, MONDO:0015356.

Allele frequency attached by ClinVar (database versions not stated): TOPMed below 0.00001.

Submissions (3):

Myriad Genetics, Inc.
Classification: Benign for Polyps, multiple and recurrent inflammatory fibroid, gastrointestinal. Last evaluated: 2026-06-17. Review status: criteria provided, single submitter. Criteria: Myriad Autosomal Dominant, Autosomal Recessive and X-Linked Classification Criteria (2023). Collection method: clinical testing. Allele origin: unknown.
Comment: This variant is considered benign. This variant is a silent/synonymous amino acid change and it is not expected to impact splicing.

Labcorp Genetics (formerly Invitae), Labcorp
Classification: Likely benign for Gastrointestinal stromal tumor. Last evaluated: 2025-12-10. Review status: criteria provided, single submitter. Criteria: Invitae Variant Classification Sherloc (09022015). Collection method: clinical testing. Allele origin: germline.

Ambry Genetics
Classification: Likely benign for Hereditary cancer-predisposing syndrome. Last evaluated: 2022-02-22. Review status: criteria provided, single submitter. Criteria: Ambry Variant Classification Scheme 2023. Collection method: clinical testing. Allele origin: germline.

NM_006206.6(PDGFRA):c.1854C>A (p.Ser618=)

Gene: PDGFRA (platelet derived growth factor receptor alpha; plus strand). Cytogenetic location: 4q12.
Variant type: single nucleotide variant.
Coding change: c.1854C>A on transcript NM_006206.6 (MANE Select); coding-DNA position 1854, C replaced by A.
Protein change: p.Ser618=; no amino-acid change (serine 618 retained).
Molecular consequence: synonymous variant.
Genome position (GRCh38, 1-based): chr4:54,277,455, C>A. VCF-style: chr4-54277455-C-A. GRCh37 (hg19) VCF-style: chr4-55143622-C-A.
Other names: c.1854C>A, p.Ser618= (NM_001347827.2, NM_001347829.2); c.1929C>A, p.Ser643= (NM_001347828.2); c.1893C>A, p.Ser631= (NM_001347830.2).
Identifiers: ClinVar variation 414508 (VCV000414508.15), dbSNP rs1060504250, ClinGen allele CA16611561.